The following is an entry in ClinVar:

ClinVar aggregate classification (germline): Uncertain significance (1 of 4 stars; one submission).

Submission:

GeneDx
Classification: Uncertain significance. Last evaluated: 2025-06-14. Review status: criteria provided, single submitter. Criteria: GeneDx Variant Classification Process June 2021. Collection method: clinical testing. Allele origin: germline. Affected: yes.
Comment: Not observed at significant frequency in large population cohorts (gnomAD); In silico analysis supports that this missense variant has a deleterious effect on protein structure/function; Has not been previously published as pathogenic or benign to our knowledge

NM_000032.5(ALAS2):c.993C>G (p.His331Gln)

Gene: ALAS2 (5'-aminolevulinate synthase 2; minus strand). Cytogenetic location: Xp11.21.
Variant type: single nucleotide variant.
Coding change: c.993C>G on transcript NM_000032.5 (MANE Select); coding-DNA position 993, C replaced by G.
Protein change: p.His331Gln; replaces histidine 331 with glutamine.
Molecular consequence: missense variant.
Genome position (GRCh38, 1-based): chrX:55,017,496, G>C on the plus strand (C>G on the coding strand, the complement: ALAS2 is on the minus strand). VCF-style: chrX-55017496-G-C. GRCh37 (hg19) VCF-style: chrX-55043929-G-C.
Other names: c.882C>G, p.His294Gln (NM_001037967.4); c.954C>G, p.His318Gln (NM_001037968.4); short protein forms H294Q, H318Q, H331Q.
Identifiers: ClinVar variation 4537637 (VCV004537637.1).
Genomic context (GRCh38, chrX:55,017,496, plus strand): 5'-GGTTTTTGTGAGACCAACACTAGTAAACATACACTCACTCATATACATACCATCCATGGA[G>C]TGGACAGTCTCAAAGGCCACAATTTTGGGTATCTTAGGGTTAGACTTCTCTAGAAGTTTC-3'
Protein context (NP_000023.2, residues 321-341): IPKIVAFETV[His331Gln]SMDGAICPLE